The following is an entry in ClinVar:

ClinVar aggregate classification (germline): Likely pathogenic (1 of 4 stars; one submission).

Conditions:
VPS13A-related neurodegenerative disease. Also called: LEVINE-CRITCHLEY SYNDROME; Choreoacanthocytosis; Chorea-acanthocytosis; Choreaacanthocytosis; VPS13A Disease; ACANTHOCYTOSIS WITH NEUROLOGIC DISORDER. Identifiers: Orphanet 2388, MedGen C0393576, MONDO:0008695, OMIM 200150.

gnomAD v4.1: 1 of 1,609,558 alleles (0.000062%); highest among the groups gnomAD compares: Non-Finnish European, 0.000085%; no homozygotes.

Submission:

University of Washington Department of Laboratory Medicine, University of Washington
Classification: Likely pathogenic for VPS13A-related neurodegenerative disease. Last evaluated: 2023-01-17. Review status: criteria provided, single submitter. Criteria: ACMG Guidelines, 2015. Collection method: clinical testing. Allele origin: unknown. Affected: yes.
Comment: The c.4863+2T>C variant in the VPS13A gene has not been previously reported in association with disease and was absent from large population databases, including the Genome Aggregation Database. The c.4863+2T>C variant alters the canonical donor splice site in intron 39, which is predicted to result in abnormal gene splicing. These predictions have not been tested directly. Variants resulting in loss of function are commonly described with disease. Using ACMG guidelines, this variant was classified as likely pathogenic for autosomal recessive chorea-acanthocytosis (ACMG evidence codes used: PVS1, PM2_supporting).

NM_033305.3(VPS13A):c.4863+2T>C

Gene: VPS13A (vacuolar protein sorting 13 homolog A; plus strand). Cytogenetic location: 9q21.2.
Variant type: single nucleotide variant.
Coding change: c.4863+2T>C on transcript NM_033305.3 (MANE Select); the canonical splice donor site of the intron after coding-DNA position 4863, T replaced by C.
Molecular consequence: splice donor variant.
Genome position (GRCh38, 1-based): chr9:77,316,408, T>C. VCF-style: chr9-77316408-T-C. GRCh37 (hg19) VCF-style: chr9-79931324-T-C.
Other names: c.4863+2T>C (NM_033305.2, NM_015186.4, NM_001018038.3); c.4746+2T>C (NM_001018037.2).
Identifiers: ClinVar variation 3777120 (VCV003777120.1).